The following is an entry in ClinVar:

ClinVar aggregate classification (germline): Uncertain significance. Review status: criteria provided, multiple submitters, no conflicts (2 of 4 stars). 2 submissions from 2 submitters: Uncertain significance (2). Last evaluated 2025-03-28.

Conditions:
Hereditary cancer-predisposing syndrome. Also called: Hereditary Cancer Syndrome; Hereditary neoplastic syndrome; Neoplastic Syndromes, Hereditary; Tumor predisposition. Identifiers: Orphanet 140162, MedGen C0027672, MeSH D009386, MONDO:0015356.
Microcephaly, normal intelligence and immunodeficiency (NBS). Also called: BERLIN BREAKAGE SYNDROME; Ataxia telangiectasia variant V1; Nijmegen breakage syndrome; Microcephaly with normal intelligence immunodeficiency and lymphoreticular malignancies; Nonsyndromal microcephaly autosomal recessive with normal intelligence; Seemanova syndrome 2. Identifiers: Orphanet 647, MedGen C0398791, MONDO:0009623, OMIM 251260.

Submissions (2):

Ambry Genetics
Classification: Uncertain significance for Hereditary cancer-predisposing syndrome. Last evaluated: 2025-03-28. Review status: criteria provided, single submitter. Criteria: Ambry Variant Classification Scheme 2023. Collection method: clinical testing. Allele origin: germline.
Comment: The p.C487F variant (also known as c.1460G>T), located in coding exon 11 of the NBN gene, results from a G to T substitution at nucleotide position 1460. The cysteine at codon 487 is replaced by phenylalanine, an amino acid with highly dissimilar properties. This amino acid position is conserved. In addition, this alteration is predicted to be tolerated by in silico analysis. Based on the available evidence, the clinical significance of this variant remains unclear.

Labcorp Genetics (formerly Invitae), Labcorp
Classification: Uncertain significance for Microcephaly, normal intelligence and immunodeficiency. Last evaluated: 2024-05-06. Review status: criteria provided, single submitter. Criteria: Invitae Variant Classification Sherloc (09022015). Collection method: clinical testing. Allele origin: germline.
Comment: This sequence change replaces cysteine, which is neutral and slightly polar, with phenylalanine, which is neutral and non-polar, at codon 487 of the NBN protein (p.Cys487Phe). This variant is not present in population databases (gnomAD no frequency). This variant has not been reported in the literature in individuals affected with NBN-related conditions. ClinVar contains an entry for this variant (Variation ID: 2078517). An algorithm developed to predict the effect of missense changes on protein structure and function (PolyPhen-2) suggests that this variant is likely to be tolerated. Algorithms developed to predict the effect of sequence changes on RNA splicing suggest that this variant may disrupt the consensus splice site. In summary, the available evidence is currently insufficient to determine the role of this variant in disease. Therefore, it has been classified as a Variant of Uncertain Significance.

NM_002485.5(NBN):c.1460G>T (p.Cys487Phe)

Gene: NBN (nibrin; minus strand). Cytogenetic location: 8q21.3.
Variant type: single nucleotide variant.
Coding change: c.1460G>T on transcript NM_002485.5 (MANE Select); coding-DNA position 1460, G replaced by T.
Protein change: p.Cys487Phe; replaces cysteine 487 with phenylalanine.
Molecular consequence: missense variant.
Genome position (GRCh38, 1-based): chr8:89,953,629, C>A on the plus strand (G>T on the coding strand, the complement: NBN is on the minus strand). VCF-style: chr8-89953629-C-A. GRCh37 (hg19) VCF-style: chr8-90965857-C-A.
Other names: c.1214G>T, p.Cys405Phe (NM_001024688.3); short protein forms C405F, C487F.
Identifiers: ClinVar variation 2078517 (VCV002078517.5), dbSNP rs587782118, ClinGen allele CA371655806.